The following is an entry in ClinVar:

ClinVar aggregate classification (germline): Likely benign. Review status: criteria provided, single submitter (1 of 4 stars). 2 submissions from 2 submitters: Likely benign (1). 1 of the submissions does not count toward it. Last evaluated 2026-01-06.

Conditions:
COL12A1-related disorder. Also called: COL12A1-related condition.
Ullrich congenital muscular dystrophy 2 (UCMD2). Identifiers: Orphanet 75840, MedGen C4225314, MONDO:0014654, OMIM 616470.
Bethlem myopathy 2 (BTHLM2). Identifiers: Orphanet 536516, Orphanet 610, MedGen C4225313, MONDO:0034022, OMIM 616471.

Allele frequency attached by ClinVar (database versions not stated): gnomAD exomes 0.00002; ExAC 0.00003; ESP Exome Variant Server 0.00008; gnomAD 0.00006; 1000 Genomes Project 30x 0.00016; 1000 Genomes Project 0.00020.
gnomAD v4.1: 17 of 1,612,610 alleles (0.0011%); highest among the groups gnomAD compares: African/African-American, 0.023%; no homozygotes.

Submissions (2):

Labcorp Genetics (formerly Invitae), Labcorp
Classification: Likely benign for Bethlem myopathy 2; Ullrich congenital muscular dystrophy 2. Last evaluated: 2026-01-06. Review status: criteria provided, single submitter. Criteria: Invitae Variant Classification Sherloc (09022015). Collection method: clinical testing. Allele origin: germline.

PreventionGenetics, part of Exact Sciences
Classification: Likely benign for COL12A1-related condition. Last evaluated: 2021-07-26. Review status: no assertion criteria provided. Collection method: clinical testing. Allele origin: germline. Not counted in ClinVar's aggregate classification.
Comment: This variant is classified as likely benign based on ACMG/AMP sequence variant interpretation guidelines (Richards et al. 2015 PMID: 25741868, with internal and published modifications).

NM_004370.6(COL12A1):c.5478G>C (p.Leu1826=)

Gene: COL12A1 (collagen type XII alpha 1 chain; minus strand). Cytogenetic location: 6q13.
Variant type: single nucleotide variant.
Coding change: c.5478G>C on transcript NM_004370.6 (MANE Select); coding-DNA position 5478, G replaced by C.
Protein change: p.Leu1826=; no amino-acid change (leucine 1826 retained).
Molecular consequence: synonymous variant.
Genome position (GRCh38, 1-based): chr6:75,134,772, C>G on the plus strand (G>C on the coding strand, the complement: COL12A1 is on the minus strand). VCF-style: chr6-75134772-C-G. GRCh37 (hg19) VCF-style: chr6-75844488-C-G.
Other names: c.5478G>C (NM_004370.5); c.1986G>C, p.Leu662= (NM_080645.3).
Identifiers: ClinVar variation 1140622 (VCV001140622.11), dbSNP rs201965731, ClinGen allele CA3893120.